The following is an entry in ClinVar:

NM_002473.6(MYH9):c.97T>G (p.Trp33Gly)

Gene: MYH9 (myosin heavy chain 9; minus strand). Cytogenetic location: 22q12.3.
Variant type: single nucleotide variant.
Coding change: c.97T>G on transcript NM_002473.6 (MANE Select); coding-DNA position 97, T replaced by G.
Protein change: p.Trp33Gly; replaces tryptophan 33 with glycine.
Molecular consequence: missense variant.
Genome position (GRCh38, 1-based): chr22:36,349,140, A>C on the plus strand (T>G on the coding strand, the complement: MYH9 is on the minus strand). VCF-style: chr22-36349140-A-C. GRCh37 (hg19) VCF-style: chr22-36745185-A-C.
Other names: p.Trp33Gly; c.97T>G (NM_002473.5); short protein forms W33G.
Identifiers: ClinVar variation 623094 (VCV000623094.4), dbSNP rs1603484060, ClinGen allele CA411549551.
Genomic context (GRCh38, chr22:36,349,140, plus strand): 5'-CTTCGCCCACCTCCTCCTTGAGGCTGGCTGGCTCAAAGCCACTCTTGTCGGAAGGCACCC[A>C]TACCAGCTTCTTGGCAGCCCAGTCGGCCTGGGCCAGCGGATTGTTGATGAAGTTTTTATC-3'
Protein context (NP_002464.1, residues 23-43): QADWAAKKLV[Trp33Gly]VPSDKSGFEP

ClinVar aggregate classification (germline): Pathogenic/Likely pathogenic. Review status: criteria provided, multiple submitters, no conflicts (2 of 4 stars). 2 submissions from 2 submitters: Pathogenic (1); Likely pathogenic (1). Last evaluated 2025-03-10.

Conditions:
MYH9-related disorder. Identifiers: MedGen C1854520.

Submissions (2):

Mayo Clinic Laboratories, Mayo Clinic
Classification: Pathogenic. Last evaluated: 2025-03-10. Review status: criteria provided, single submitter. Criteria: ACMG Guidelines, 2015. Collection method: clinical testing. Allele origin: germline. Observed: 1 variant allele.
Comment: PP2, PP3_strong, PM1, PM2_supporting, PM5, PM6, PS4_moderate

NIHR Bioresource Rare Diseases, University of Cambridge
Classification: Likely pathogenic for MYH9-related disorder. Last evaluated: 2018-12-12. Review status: criteria provided, single submitter. Criteria: ACMG Guidelines, 2015. Collection method: research. Allele origin: unknown. Inheritance: Autosomal dominant inheritance. Affected: yes. Observed: 1 heterozygote.
Comment: PS1, PM2, PP3, PP2, PP4

Literature cited by the submitters: PubMed 31562665 (cited by Mayo Clinic Laboratories, Mayo Clinic); PubMed 31977897 (cited by Mayo Clinic Laboratories, Mayo Clinic); PubMed 32581362 (cited by Mayo Clinic Laboratories, Mayo Clinic); PubMed 36194208 (cited by Mayo Clinic Laboratories, Mayo Clinic).